The following is an entry in ClinVar:

ClinVar aggregate classification (germline): Uncertain significance (1 of 4 stars; one submission).

Submission:

Labcorp Genetics (formerly Invitae), Labcorp
Classification: Uncertain significance. Last evaluated: 2022-05-04. Review status: criteria provided, single submitter. Criteria: Invitae Variant Classification Sherloc (09022015). Collection method: clinical testing. Allele origin: germline.
Comment: In summary, the available evidence is currently insufficient to determine the role of this variant in disease. Therefore, it has been classified as a Variant of Uncertain Significance. Algorithms developed to predict the effect of missense changes on protein structure and function are either unavailable or do not agree on the potential impact of this missense change (SIFT: "Tolerated"; PolyPhen-2: "Possibly Damaging"; Align-GVGD: "Class C0"). This variant has not been reported in the literature in individuals affected with POLE-related conditions. This variant is not present in population databases (gnomAD no frequency). This sequence change replaces alanine, which is neutral and non-polar, with glycine, which is neutral and non-polar, at codon 1866 of the POLE protein (p.Ala1866Gly).

NM_006231.4(POLE):c.5597C>G (p.Ala1866Gly)

Gene: POLE (DNA polymerase epsilon, catalytic subunit; minus strand). Cytogenetic location: 12q24.33.
Variant type: single nucleotide variant.
Coding change: c.5597C>G on transcript NM_006231.4 (MANE Select); coding-DNA position 5597, C replaced by G.
Protein change: p.Ala1866Gly; replaces alanine 1866 with glycine.
Molecular consequence: missense variant.
Genome position (GRCh38, 1-based): chr12:132,638,095, G>C on the plus strand (C>G on the coding strand, the complement: POLE is on the minus strand). VCF-style: chr12-132638095-G-C. GRCh37 (hg19) VCF-style: chr12-133214681-G-C.
Other names: short protein forms A1866G.
Identifiers: ClinVar variation 1484130 (VCV001484130.8), dbSNP rs1314230611, ClinGen allele CA387374133.